The following is an entry in ClinVar:

NM_006579.3(EBP):c.382C>T (p.Leu128=)

Gene: EBP (EBP cholestenol delta-isomerase; plus strand). Cytogenetic location: Xp11.23.
Variant type: single nucleotide variant.
Coding change: c.382C>T on transcript NM_006579.3 (MANE Select); coding-DNA position 382, C replaced by T.
Protein change: p.Leu128=; no amino-acid change (leucine 128 retained).
Molecular consequence: synonymous variant.
Genome position (GRCh38, 1-based): chrX:48,527,198, C>T. VCF-style: chrX-48527198-C-T. GRCh37 (hg19) VCF-style: chrX-48385586-C-T.
Identifiers: ClinVar variation 158547 (VCV000158547.28), dbSNP rs142881014, ClinGen allele CA271475.

ClinVar aggregate classification (germline): Conflicting classifications of pathogenicity. Review status: criteria provided, conflicting classifications (1 of 4 stars). 6 submissions from 6 submitters: Uncertain significance (1); Benign (4); Likely benign (1). Last evaluated 2025-11-10.

Conditions:
Chondrodysplasia punctata 2 X-linked dominant (CDPX2). Also called: Hunermann-Conradi Syndrome; CONRADI-HUNERMANN-HAPPLE SYNDROME; HAPPLE SYNDROME; EBP-Related X-Linked Chondrodysplasia Punctata. Identifiers: Orphanet 35173, MedGen C0282102, MONDO:0020603, OMIM 302960.

Allele frequency attached by ClinVar (database versions not stated): ExAC 0.00185; gnomAD exomes 0.00205 and 0.00103; ESP Exome Variant Server 0.00275; gnomAD 0.00278 and 0.00291; TOPMed 0.00411; 1000 Genomes Project 0.00477; 1000 Genomes Project 30x 0.00562.
gnomAD v4.1: 1,566 of 1,210,037 alleles (0.13%); highest among the groups gnomAD compares: African/African-American, 0.68%; 4 homozygotes.

Submissions (6):

Labcorp Genetics (formerly Invitae), Labcorp
Classification: Benign. Last evaluated: 2025-11-10. Review status: criteria provided, single submitter. Criteria: Invitae Variant Classification Sherloc (09022015). Collection method: clinical testing. Allele origin: germline.

Blueprint Genetics
Classification: Likely benign. Last evaluated: 2024-11-28. Review status: criteria provided, single submitter. Criteria: ACMG Guidelines, 2015. Collection method: clinical testing. Allele origin: germline.

ARUP Laboratories, Molecular Genetics and Genomics, ARUP Laboratories
Classification: Benign. Last evaluated: 2023-11-29. Review status: criteria provided, single submitter. Criteria: ARUP Molecular Germline Variant Investigation Process 2024. Collection method: clinical testing. Allele origin: germline.

GeneDx
Classification: Benign. Last evaluated: 2017-04-25. Review status: criteria provided, single submitter. Criteria: GeneDx Variant Classification (06012015). Collection method: clinical testing. Allele origin: germline. Affected: yes.
Comment: This variant is considered likely benign or benign based on one or more of the following criteria: it is a conservative change, it occurs at a poorly conserved position in the protein, it is predicted to be benign by multiple in silico algorithms, and/or has population frequency not consistent with disease.

Eurofins Ntd Llc (ga)
Classification: Benign. Last evaluated: 2017-01-27. Review status: criteria provided, single submitter. Criteria: EGL Classification Definitions 2015. Collection method: clinical testing. Allele origin: germline. Observed: 2 variant alleles, 1 heterozygote, 1 hemizygote.

Genetic Services Laboratory, University of Chicago
Classification: Uncertain significance for Chondrodysplasia punctata, X-linked dominant. Last evaluated: 2013-02-08. Review status: criteria provided, single submitter. Criteria: ACMG Guidelines, 2007. Collection method: clinical testing. Allele origin: germline. Inheritance: X-linked inheritance.